The following is an entry in ClinVar:

NM_000051.4(ATM):c.5889T>C (p.Asp1963=)

Genes: C11orf65 (chromosome 11 open reading frame 65; minus strand), ATM (ATM serine/threonine kinase; plus strand). Cytogenetic location: 11q22.3.
Variant type: single nucleotide variant.
Coding change: c.5889T>C on transcript NM_000051.4 (MANE Select); coding-DNA position 5889, T replaced by C.
Protein change: p.Asp1963=; no amino-acid change (aspartic acid 1963 retained).
Molecular consequence: synonymous variant. On other transcripts: intron variant (2).
Genome position (GRCh38, 1-based): chr11:108,310,286, T>C. VCF-style: chr11-108310286-T-C. GRCh37 (hg19) VCF-style: chr11-108181013-T-C.
Other names: c.5889T>C, p.Asp1963= (NM_001351834.2); c.641-1215A>G (NM_001330368.2); c.*39-1215A>G (NM_001351110.2).
Identifiers: ClinVar variation 481316 (VCV000481316.20), dbSNP rs1555110490, ClinGen allele CA476675510.
Genomic context (GRCh38, chr11:108,310,286, plus strand): 5'-GGTAGCTCAGTCTTGTGCTGCTCACTTTACAGCTTTACTCTATGCAGAAATCTATGCAGA[T>C]AAGAAAAGTATGGATGATCAAGAGAAAAGGTAATGGAATTTAGAATTTTTGGTTTTTAAA-3'
Protein context (NP_000042.3, residues 1953-1973): TALLYAEIYA[Asp1963=]KKSMDDQEKR

ClinVar aggregate classification (germline): Benign/Likely benign. Review status: criteria provided, multiple submitters, no conflicts (2 of 4 stars). 5 submissions from 5 submitters: Benign (1); Likely benign (4). Last evaluated 2024-12-12.

Conditions:
Hereditary cancer-predisposing syndrome. Also called: Neoplastic Syndromes, Hereditary; Hereditary Cancer Syndrome; Tumor predisposition; Hereditary neoplastic syndrome. Identifiers: Orphanet 140162, MedGen C0027672, MeSH D009386, MONDO:0015356.
Ataxia-telangiectasia syndrome (AT). Also called: LOUIS-BAR SYNDROME; Cerebello-oculocutaneous telangiectasia; Immunodeficiency with ataxia telangiectasia; Ataxia-telangiectasia, complementation group D; AT, COMPLEMENTATION GROUP C; Ataxia-telangiectasia, complementation group E. Identifiers: Orphanet 100, MedGen C0004135, MONDO:0008840, OMIM 208900.
Familial cancer of breast. Also called: Hereditary breast cancer; BREAST CANCER, FAMILIAL; hereditary breast carcinoma. Identifiers: Orphanet 227535, MedGen C0346153, MONDO:0016419, OMIM 114480. Disease mechanism: loss of function.

Allele frequency attached by ClinVar (database versions not stated): gnomAD exomes below 0.00001.
gnomAD v4.1: 3 of 1,613,478 alleles (0.00019%); highest among the groups gnomAD compares: South Asian, 0.0011%; no homozygotes.

Submissions (5):

Labcorp Genetics (formerly Invitae), Labcorp
Classification: Likely benign for Ataxia-telangiectasia syndrome. Last evaluated: 2024-12-12. Review status: criteria provided, single submitter. Criteria: Invitae Variant Classification Sherloc (09022015). Collection method: clinical testing. Allele origin: germline.

Myriad Genetics, Inc.
Classification: Benign for Familial cancer of breast. Last evaluated: 2024-05-24. Review status: criteria provided, single submitter. Criteria: Myriad Autosomal Dominant, Autosomal Recessive and X-Linked Classification Criteria (2023). Collection method: clinical testing. Allele origin: unknown.
Comment: This variant is considered benign. This variant is a silent/synonymous amino acid change and it is not expected to impact splicing.

Blueprint Genetics
Classification: Likely benign. Last evaluated: 2024-04-15. Review status: criteria provided, single submitter. Criteria: ACMG Guidelines, 2015. Collection method: clinical testing. Allele origin: germline.

Ambry Genetics
Classification: Likely benign for Hereditary cancer-predisposing syndrome. Last evaluated: 2016-12-05. Review status: criteria provided, single submitter. Criteria: Ambry Variant Classification Scheme 2023. Collection method: clinical testing. Allele origin: germline.

Color Diagnostics, LLC DBA Color Health
Classification: Likely benign for Hereditary cancer-predisposing syndrome. Last evaluated: 2016-11-01. Review status: criteria provided, single submitter. Criteria: ACMG Guidelines, 2015. Collection method: clinical testing. Allele origin: germline.